The following is an entry in ClinVar:

ClinVar aggregate classification (germline): Likely benign (3 of 4 stars; one submission).

Conditions:
Breast-ovarian cancer, familial, susceptibility to, 1 (BROVCA1). Also called: BRCA1 Hereditary Breast and Ovarian Cancer; OVARIAN CANCER, SUSCEPTIBILITY TO. Identifiers: Orphanet 145, MedGen C2676676, MONDO:0011450, OMIM 604370. Disease mechanism: loss of function.

Allele frequency attached by ClinVar (database versions not stated): gnomAD exomes below 0.00001; ExAC 0.00001.
gnomAD v4.1: 1 of 1,614,128 alleles (0.000062%); highest among the groups gnomAD compares: Non-Finnish European, 0.000085%; no homozygotes.

Submission:

Evidence-based Network for the Interpretation of Germline Mutant Alleles (ENIGMA)
Classification: Likely benign for Breast-ovarian cancer, familial, susceptibility to, 1. Last evaluated: 2017-06-29. Review status: reviewed by expert panel. Criteria: ENIGMA BRCA1/2 Classification Criteria (2017-06-29). Collection method: curation. Allele origin: germline.
Comment: Synonymous substitution variant, with low bioinformatic likelihood to result in a splicing aberration (Splicing prior probability 0.02).

NM_007294.4(BRCA1):c.876C>T (p.Leu292=)

Gene: BRCA1 (BRCA1 DNA repair associated; minus strand). Cytogenetic location: 17q21.31.
Variant type: single nucleotide variant.
Coding change: c.876C>T on transcript NM_007294.4 (MANE Select); coding-DNA position 876, C replaced by T.
Protein change: p.Leu292=; no amino-acid change (leucine 292 retained).
Molecular consequence: synonymous variant. On other transcripts: 5 prime UTR variant (2), intron variant (137).
Genome position (GRCh38, 1-based): chr17:43,094,655, G>A on the plus strand (C>T on the coding strand, the complement: BRCA1 is on the minus strand). VCF-style: chr17-43094655-G-A. GRCh37 (hg19) VCF-style: chr17-41246672-G-A.
Other names: c.663C>T, p.Leu221= (NM_001407571.1, NM_001407853.1, NM_001407894.1 and 9 more transcripts); c.876C>T, p.Leu292= (NM_001407581.1, NM_001407582.1, NM_001407583.1 and 30 more transcripts); c.873C>T, p.Leu291= (NM_001407587.1, NM_001407590.1, NM_001407591.1 and 22 more transcripts); c.867C>T, p.Leu289= (NM_001407646.1, NM_001407647.1); c.753C>T, p.Leu251= (NM_001407648.1, NM_001407664.1, NM_001407665.1 and 19 more transcripts); c.750C>T, p.Leu250= (NM_001407649.1, NM_001407670.1, NM_001407671.1 and 11 more transcripts); c.798C>T, p.Leu266= (NM_001407653.1, NM_001407654.1, NM_001407655.1 and 4 more transcripts); c.795C>T, p.Leu265= (NM_001407659.1, NM_001407660.1, NM_001407661.1 and 1 more transcripts); and 40 more.
Identifiers: ClinVar variation 427344 (VCV000427344.4), dbSNP rs771001707, ClinGen allele CA056846.